The following is an entry in ClinVar:

ClinVar aggregate classification (germline): Uncertain significance (1 of 4 stars; one submission).

Allele frequency attached by ClinVar (database versions not stated): ExAC 0.00004.

Submission:

Labcorp Genetics (formerly Invitae), Labcorp
Classification: Uncertain significance. Last evaluated: 2022-11-07. Review status: criteria provided, single submitter. Criteria: Invitae Variant Classification Sherloc (09022015). Collection method: clinical testing. Allele origin: germline.
Comment: In summary, the available evidence is currently insufficient to determine the role of this variant in disease. Therefore, it has been classified as a Variant of Uncertain Significance. Algorithms developed to predict the effect of sequence changes on RNA splicing suggest that this variant may disrupt the consensus splice site. This variant has not been reported in the literature in individuals affected with ICOSLG-related conditions. This variant is present in population databases (rs757042308, gnomAD 0.04%). This sequence change affects codon 29 of the ICOSLG mRNA. It is a 'silent' change, meaning that it does not change the encoded amino acid sequence of the ICOSLG protein.

NM_015259.6(ICOSLG):c.87A>C (p.Val29=)

Gene: ICOSLG (inducible T cell costimulator ligand; minus strand). Cytogenetic location: 21q22.3.
Variant type: single nucleotide variant.
Coding change: c.87A>C on transcript NM_015259.6 (MANE Select); coding-DNA position 87, A replaced by C.
Protein change: p.Val29=; no amino-acid change (valine 29 retained).
Molecular consequence: synonymous variant. On other transcripts: intron variant (2).
Genome position (GRCh38, 1-based): chr21:44,237,186, T>G on the plus strand (A>C on the coding strand, the complement: ICOSLG is on the minus strand). VCF-style: chr21-44237186-T-G. GRCh37 (hg19) VCF-style: chr21-45657069-T-G.
Other names: c.87A>C, p.Val29= (NM_001283050.2, NM_001395918.1); c.6A>C, p.Val2= (NM_001365759.2); c.55+1262A>C (NM_001283051.2); c.-48-121A>C (NM_001283052.2).
Identifiers: ClinVar variation 2879562 (VCV002879562.3), dbSNP rs757042308, ClinGen allele CA321498455.